The following is an entry in ClinVar:

ClinVar aggregate classification (germline): Likely benign (1 of 4 stars; one submission).

gnomAD v4.1: 1 of 1,614,200 alleles (0.000062%); highest among the groups gnomAD compares: Non-Finnish European, 0.000085%; no homozygotes.

Submission:

CeGaT Center for Human Genetics Tuebingen
Classification: Likely benign. Last evaluated: 2023-03-01. Review status: criteria provided, single submitter. Criteria: CeGaT Center For Human Genetics Tuebingen Variant Classification Criteria Version 2. Collection method: clinical testing. Allele origin: germline. Affected: yes. Observed: 1 variant allele.
Comment: ELOA2: PM2:Supporting, BP4, BP7

NM_016427.3(ELOA2):c.1177C>A (p.Arg393=)

Genes: ELOA2 (elongin A2; minus strand), KATNAL2 (katanin catalytic subunit A1 like 2; plus strand). Cytogenetic location: 18q21.1.
Variant type: single nucleotide variant.
Coding change: c.1177C>A on transcript NM_016427.3 (MANE Select); coding-DNA position 1177, C replaced by A.
Protein change: p.Arg393=; no amino-acid change (arginine 393 retained).
Molecular consequence: synonymous variant. On other transcripts: intron variant (14).
Genome position (GRCh38, 1-based): chr18:47,034,088, G>T on the plus strand (C>A on the coding strand, the complement: ELOA2 is on the minus strand). VCF-style: chr18-47034088-G-T. GRCh37 (hg19) VCF-style: chr18-44560459-G-T.
Other names: c.-1-24147G>T (NM_001353904.1, NM_001353903.1, NM_001353907.1 and 3 more transcripts); c.130-12369G>T (NM_001353899.1, NM_001353900.1, NM_001353902.1); c.52-12369G>T (NM_001353901.1, NM_001387690.1, NM_001367621.1); c.-294-12369G>T (NM_001353905.1); c.-94-18792G>T (NM_031303.3).
Identifiers: ClinVar variation 2648707 (VCV002648707.24), dbSNP rs147141877, ClinGen allele CA503988309.